The following is an entry in ClinVar:

ClinVar aggregate classification (germline): Likely pathogenic (1 of 4 stars; one submission).

Submission:

GeneDx
Classification: Likely pathogenic. Last evaluated: 2026-04-02. Review status: criteria provided, single submitter. Criteria: GeneDx Variant Classification Process June 2021. Collection method: clinical testing. Allele origin: germline.
Comment: Nonsense variant predicted to result in protein truncation, as the last 702 amino acids are lost, and other loss-of-function variants have been reported downstream in HGMD; Not observed at significant frequency in large population cohorts (gnomAD); This variant is associated with the following publications: (PMID: 25424711)

NM_012330.4(KAT6B):c.4114G>T (p.Glu1372Ter)

Gene: KAT6B (lysine acetyltransferase 6B; plus strand). Cytogenetic location: 10q22.2.
Variant type: single nucleotide variant.
Coding change: c.4114G>T on transcript NM_012330.4 (MANE Select); coding-DNA position 4114, G replaced by T.
Protein change: p.Glu1372Ter; replaces glutamic acid 1372 with a stop codon.
Molecular consequence: nonsense.
Genome position (GRCh38, 1-based): chr10:75,028,938, G>T. VCF-style: chr10-75028938-G-T. GRCh37 (hg19) VCF-style: chr10-76788696-G-T.
Other names: c.2425G>T, p.Glu809Ter (NM_001370133.1); c.2029G>T, p.Glu677Ter (NM_001370134.1); c.1771G>T, p.Glu591Ter (NM_001370135.1); c.4114G>T, p.Glu1372Ter (NM_001370136.1, NM_001370137.1); c.3565G>T, p.Glu1189Ter (NM_001370138.1, NM_001256468.2); c.3238G>T, p.Glu1080Ter (NM_001370139.1, NM_001370140.1, NM_001370141.1 and 2 more transcripts); c.3049G>T, p.Glu1017Ter (NM_001370143.1, NM_001370144.1); c.3076G>T, p.Glu1026Ter (NM_001370132.1); short protein forms E1017*, E1026*, E1080*, E1189*, E1372*, E591*, E677*, E809*.
Identifiers: ClinVar variation 5018441 (VCV005018441.1).